The following is an entry in ClinVar:

NM_005732.4(RAD50):c.2299G>T (p.Asp767Tyr)

Gene: RAD50 (RAD50 double strand break repair protein; plus strand). Cytogenetic location: 5q31.1.
Variant type: single nucleotide variant.
Coding change: c.2299G>T on transcript NM_005732.4 (MANE Select); coding-DNA position 2299, G replaced by T.
Protein change: p.Asp767Tyr; replaces aspartic acid 767 with tyrosine.
Molecular consequence: missense variant.
Genome position (GRCh38, 1-based): chr5:132,603,391, G>T. VCF-style: chr5-132603391-G-T. GRCh37 (hg19) VCF-style: chr5-131939083-G-T.
Other names: short protein forms D767Y.
Identifiers: ClinVar variation 3942188 (VCV003942188.1).

ClinVar aggregate classification (germline): Uncertain significance (1 of 4 stars; one submission).

Conditions:
Hereditary cancer-predisposing syndrome. Also called: Tumor predisposition; Hereditary neoplastic syndrome; Hereditary Cancer Syndrome; Neoplastic Syndromes, Hereditary. Identifiers: Orphanet 140162, MedGen C0027672, MeSH D009386, MONDO:0015356.

Submission:

Ambry Genetics
Classification: Uncertain significance for Hereditary cancer-predisposing syndrome. Last evaluated: 2025-05-05. Review status: criteria provided, single submitter. Criteria: Ambry Variant Classification Scheme 2023. Collection method: clinical testing. Allele origin: germline.
Comment: The p.D767Y variant (also known as c.2299G>T), located in coding exon 14 of the RAD50 gene, results from a G to T substitution at nucleotide position 2299. The aspartic acid at codon 767 is replaced by tyrosine, an amino acid with highly dissimilar properties. This amino acid position is conserved. In addition, the in silico prediction for this alteration is inconclusive. Based on the available evidence, the clinical significance of this variant remains unclear.